The following is an entry in ClinVar:

ClinVar aggregate classification (germline): Uncertain significance. Review status: criteria provided, multiple submitters, no conflicts (2 of 4 stars). 2 submissions from 2 submitters: Uncertain significance (2). Last evaluated 2025-01-12.

Conditions:
Neurofibromatosis, type 1 (NF1). Also called: Neurofibromatosis, type I; VON RECKLINGHAUSEN DISEASE; NEUROFIBROMATOSIS, TYPE I, SOMATIC; Peripheral type neurofibromatosis. Identifiers: Orphanet 636, MedGen C0027831, MONDO:0018975, OMIM 162200. Disease mechanism: loss of function.

Submissions (2):

Labcorp Genetics (formerly Invitae), Labcorp
Classification: Uncertain significance for Neurofibromatosis, type 1. Last evaluated: 2025-01-12. Review status: criteria provided, single submitter. Criteria: Invitae Variant Classification Sherloc (09022015). Collection method: clinical testing. Allele origin: germline.
Comment: This sequence change replaces tyrosine, which is neutral and polar, with asparagine, which is neutral and polar, at codon 998 of the NF1 protein (p.Tyr998Asn). This variant is not present in population databases (gnomAD no frequency). This missense change has been observed in individual(s) with clinical features of neurofibromatosis, type 1 (internal data). ClinVar contains an entry for this variant (Variation ID: 2921226). An algorithm developed to predict the effect of missense changes on protein structure and function (PolyPhen-2) suggests that this variant is likely to be disruptive. This variant disrupts the p.Tyr998 amino acid residue in NF1. Other variant(s) that disrupt this residue have been observed in individuals with NF1-related conditions (internal data), which suggests that this may be a clinically significant amino acid residue. In summary, the available evidence is currently insufficient to determine the role of this variant in disease. Therefore, it has been classified as a Variant of Uncertain Significance.

ARUP Laboratories, Molecular Genetics and Genomics, ARUP Laboratories
Classification: Uncertain significance. Last evaluated: 2023-09-27. Review status: criteria provided, single submitter. Criteria: ARUP Molecular Germline Variant Investigation Process 2024. Collection method: clinical testing. Allele origin: germline.
Comment: The NF1 c.2992T>A; p.Tyr998Asn variant, to our knowledge, is not reported in the medical literature or gene specific databases. This variant is also absent from the Genome Aggregation Database, indicating it is not a common polymorphism. Computational analyses are uncertain whether this variant is neutral or deleterious (REVEL: 0.514). Due to limited information, the clinical significance of this variant is uncertain at this time.

NM_001042492.3(NF1):c.2992T>A (p.Tyr998Asn)

Gene: NF1 (neurofibromin 1; plus strand). Cytogenetic location: 17q11.2.
Variant type: single nucleotide variant.
Coding change: c.2992T>A on transcript NM_001042492.3 (MANE Select); coding-DNA position 2992, T replaced by A.
Protein change: p.Tyr998Asn; replaces tyrosine 998 with asparagine.
Molecular consequence: missense variant.
Genome position (GRCh38, 1-based): chr17:31,230,261, T>A. VCF-style: chr17-31230261-T-A. GRCh37 (hg19) VCF-style: chr17-29557279-T-A.
Other names: c.2992T>A, p.Tyr998Asn (NM_000267.4); short protein forms Y998N.
Identifiers: ClinVar variation 2921226 (VCV002921226.3), dbSNP rs2151431469, ClinGen allele CA398986506.